The following is an entry in ClinVar:

NC_000013.11:g.76991961A>T

Gene: CLN5 (CLN5 lysosomal BMP synthase; plus strand). Cytogenetic location: 13q22.3.
Variant type: single nucleotide variant.
Molecular consequence: missense variant (on NM_006493.2).
Genome position: GRCh38 VCF-style: chr13-76991961-A-T. GRCh37 (hg19) VCF-style: chr13-77566096-A-T.
Other names: c.10A>T, p.Asn4Tyr (NM_006493.2); short protein forms N4Y.
Identifiers: ClinVar variation 1501450 (VCV001501450.4), dbSNP rs1336864663, ClinGen allele CA388305532.

ClinVar aggregate classification (germline): Uncertain significance. Review status: criteria provided, multiple submitters, no conflicts (2 of 4 stars). 2 submissions from 2 submitters: Uncertain significance (2). Last evaluated 2023-05-17.

Conditions:
Inborn genetic diseases. Identifiers: MedGen C0950123, MeSH D030342.
Neuronal ceroid lipofuscinosis. Also called: Neuronal Ceroid Lipofuscinoses. Identifiers: Orphanet 216, Orphanet 79263, MedGen C0027877, MONDO:0016295. Disease mechanism: loss of function.

Allele frequency attached by ClinVar (database versions not stated): TOPMed 0.00003; gnomAD exomes below 0.00001.

Submissions (2):

Ambry Genetics
Classification: Uncertain significance for Inborn genetic diseases. Last evaluated: 2023-05-17. Review status: criteria provided, single submitter. Criteria: Ambry Variant Classification Scheme 2023. Collection method: clinical testing. Allele origin: germline.

Labcorp Genetics (formerly Invitae), Labcorp
Classification: Uncertain significance for Neuronal ceroid lipofuscinosis. Last evaluated: 2021-07-31. Review status: criteria provided, single submitter. Criteria: Invitae Variant Classification Sherloc (09022015). Collection method: clinical testing. Allele origin: germline.
Comment: This sequence change replaces asparagine with tyrosine at codon 4 of the CLN5 protein (p.Asn4Tyr). The asparagine residue is weakly conserved and there is a large physicochemical difference between asparagine and tyrosine. The frequency data for this variant in the population databases is considered unreliable, as metrics indicate insufficient coverage at this position in the ExAC database. This variant has not been reported in the literature in individuals affected with CLN5-related conditions. Algorithms developed to predict the effect of missense changes on protein structure and function are either unavailable or do not agree on the potential impact of this missense change (SIFT: "Deleterious"; PolyPhen-2: "Not Available"; Align-GVGD: "Class C0"). Algorithms developed to predict the effect of sequence changes on RNA splicing suggest that this variant may create or strengthen a splice site. In summary, the available evidence is currently insufficient to determine the role of this variant in disease. Therefore, it has been classified as a Variant of Uncertain Significance.